The following is an entry in ClinVar:

ClinVar aggregate classification (germline): Uncertain significance (1 of 4 stars; one submission).

Submission:

Labcorp Genetics (formerly Invitae), Labcorp
Classification: Uncertain significance. Last evaluated: 2025-05-27. Review status: criteria provided, single submitter. Criteria: Invitae Variant Classification Sherloc (09022015). Collection method: clinical testing. Allele origin: germline.
Comment: This sequence change replaces tyrosine, which is neutral and polar, with cysteine, which is neutral and slightly polar, at codon 967 of the AHDC1 protein (p.Tyr967Cys). This variant is not present in population databases (gnomAD no frequency). This variant has not been reported in the literature in individuals affected with AHDC1-related conditions. An algorithm developed to predict the effect of missense changes on protein structure and function (PolyPhen-2) suggests that this variant is likely to be disruptive. In summary, the available evidence is currently insufficient to determine the role of this variant in disease. Therefore, it has been classified as a Variant of Uncertain Significance.

NM_001371928.1(AHDC1):c.2900A>G (p.Tyr967Cys)

Gene: AHDC1 (AT-hook DNA binding motif containing 1; minus strand). Cytogenetic location: 1p36.11.
Variant type: single nucleotide variant.
Coding change: c.2900A>G on transcript NM_001371928.1 (MANE Select); coding-DNA position 2900, A replaced by G.
Protein change: p.Tyr967Cys; replaces tyrosine 967 with cysteine.
Molecular consequence: missense variant.
Genome position (GRCh38, 1-based): chr1:27,549,216, T>C on the plus strand (A>G on the coding strand, the complement: AHDC1 is on the minus strand). VCF-style: chr1-27549216-T-C. GRCh37 (hg19) VCF-style: chr1-27875727-T-C.
Other names: c.2900A>G, p.Tyr967Cys (NM_001029882.3); short protein forms Y967C.
Identifiers: ClinVar variation 4747860 (VCV004747860.1).